The following is an entry in ClinVar:

NM_004525.3(LRP2):c.10742G>A (p.Gly3581Glu)

Gene: LRP2 (LDL receptor related protein 2; minus strand). Cytogenetic location: 2q31.1.
Variant type: single nucleotide variant.
Coding change: c.10742G>A on transcript NM_004525.3 (MANE Select); coding-DNA position 10742, G replaced by A.
Protein change: p.Gly3581Glu; replaces glycine 3581 with glutamic acid.
Molecular consequence: missense variant.
Genome position (GRCh38, 1-based): chr2:169,175,219, C>T on the plus strand (G>A on the coding strand, the complement: LRP2 is on the minus strand). VCF-style: chr2-169175219-C-T. GRCh37 (hg19) VCF-style: chr2-170031729-C-T.
Other names: short protein forms G3581E.
Identifiers: ClinVar variation 1473111 (VCV001473111.9), dbSNP rs2105284072, ClinGen allele CA349146359.

ClinVar aggregate classification (germline): Uncertain significance. Review status: criteria provided, multiple submitters, no conflicts (2 of 4 stars). 2 submissions from 2 submitters: Uncertain significance (2). Last evaluated 2024-02-22.

Conditions:
Donnai-Barrow syndrome. Also called: DBS/FOAR SYNDROME; FACIOOCULOACOUSTICORENAL SYNDROME. Identifiers: Orphanet 2143, MedGen C1857277, MONDO:0009104, OMIM 222448.

Submissions (2):

Fulgent Genetics
Classification: Uncertain significance for Donnai-Barrow syndrome. Last evaluated: 2024-02-22. Review status: criteria provided, single submitter. Criteria: ACMG Guidelines, 2015. Collection method: clinical testing. Allele origin: germline.

Labcorp Genetics (formerly Invitae), Labcorp
Classification: Uncertain significance. Last evaluated: 2023-11-27. Review status: criteria provided, single submitter. Criteria: Invitae Variant Classification Sherloc (09022015). Collection method: clinical testing. Allele origin: germline.
Comment: This sequence change replaces glycine, which is neutral and non-polar, with glutamic acid, which is acidic and polar, at codon 3581 of the LRP2 protein (p.Gly3581Glu). This variant is not present in population databases (gnomAD no frequency). This variant has not been reported in the literature in individuals affected with LRP2-related conditions. ClinVar contains an entry for this variant (Variation ID: 1473111). Advanced modeling of protein sequence and biophysical properties (such as structural, functional, and spatial information, amino acid conservation, physicochemical variation, residue mobility, and thermodynamic stability) performed at Invitae indicates that this missense variant is expected to disrupt LRP2 protein function with a positive predictive value of 95%. In summary, the available evidence is currently insufficient to determine the role of this variant in disease. Therefore, it has been classified as a Variant of Uncertain Significance.